The following is an entry in ClinVar:

NM_001177316.2(SLC34A3):c.925+32C>G

Gene: SLC34A3 (solute carrier family 34 member 3; plus strand). Cytogenetic location: 9q34.3.
Variant type: single nucleotide variant.
Coding change: c.925+32C>G on transcript NM_001177316.2 (MANE Select); 32 bases into the intron after coding-DNA position 925, C replaced by G.
Molecular consequence: intron variant.
Genome position (GRCh38, 1-based): chr9:137,233,973, C>G. VCF-style: chr9-137233973-C-G. GRCh37 (hg19) VCF-style: chr9-140128425-C-G.
Other names: c.925+32C>G (NM_001177317.2, NM_080877.3, NM_080877.2).
Identifiers: ClinVar variation 1490705 (VCV001490705.9), dbSNP rs748970719, ClinGen allele CA5364663.

ClinVar aggregate classification (germline): Conflicting classifications of pathogenicity. Review status: criteria provided, conflicting classifications (1 of 4 stars). 3 submissions from 3 submitters: Uncertain significance (1); Likely benign (1). 1 of the submissions does not count toward it. Last evaluated 2026-01-15.

Conditions:
SLC34A3-related disorder. Also called: SLC34A3-related condition.

Allele frequency attached by ClinVar (database versions not stated): gnomAD 0.00006; gnomAD exomes 0.00019; ExAC 0.00046.
gnomAD v4.1: 166 of 1,474,548 alleles (0.011%); highest among the groups gnomAD compares: Middle Eastern, 0.26%; no homozygotes.

Submissions (3):

Labcorp Genetics (formerly Invitae), Labcorp
Classification: Likely benign. Last evaluated: 2026-01-15. Review status: criteria provided, single submitter. Criteria: Invitae Variant Classification Sherloc (09022015). Collection method: clinical testing. Allele origin: germline.

Breakthrough Genomics
Classification: Uncertain significance. Review status: criteria provided, single submitter. Criteria: ACMG Guidelines, 2015. Collection method: not provided. Allele origin: germline. Inheritance: Autosomal recessive inheritance. Affected: yes.

PreventionGenetics, part of Exact Sciences
Classification: Likely benign for SLC34A3-related condition. Last evaluated: 2019-07-01. Review status: no assertion criteria provided. Collection method: clinical testing. Allele origin: germline. Not counted in ClinVar's aggregate classification.
Comment: This variant is classified as likely benign based on ACMG/AMP sequence variant interpretation guidelines (Richards et al. 2015 PMID: 25741868, with internal and published modifications).